The following is an entry in ClinVar:

NM_001387274.1(DCDC1):c.937G>A (p.Val313Met)

Gene: DCDC1 (doublecortin domain containing 1; minus strand). Cytogenetic location: 11p13.
Variant type: single nucleotide variant.
Coding change: c.937G>A on transcript NM_001387274.1 (MANE Select); coding-DNA position 937, G replaced by A.
Protein change: p.Val313Met; replaces valine 313 with methionine.
Molecular consequence: missense variant.
Genome position (GRCh38, 1-based): chr11:31,290,670, C>T on the plus strand (G>A on the coding strand, the complement: DCDC1 is on the minus strand). VCF-style: chr11-31290670-C-T. GRCh37 (hg19) VCF-style: chr11-31312217-C-T.
Other names: c.937G>A, p.Val313Met (NM_181807.4, NM_001367979.1); short protein forms V313M.
Identifiers: ClinVar variation 3648287 (VCV003648287.2).
Genomic context (GRCh38, chr11:31,290,670, plus strand): 5'-AATTAAATTCATAGTTCAATATTTAATTAAAAATTACCTTTTTCATTGTTTCTTTTCCCA[C>T]TGTAATCTCATGCCCATCCTGCCCCATGCCATTCTTAAAGAACAGAATTCGGACTGAGGT-3'
Protein context (NP_001374203.1, residues 303-323): GMGQDGHEIT[Val313Met]GKETMKKVLD

ClinVar aggregate classification (germline): Uncertain significance (1 of 4 stars; one submission).

Submission:

Labcorp Genetics (formerly Invitae), Labcorp
Classification: Uncertain significance. Last evaluated: 2025-01-17. Review status: criteria provided, single submitter. Criteria: Invitae Variant Classification Sherloc (09022015). Collection method: clinical testing. Allele origin: germline.
Comment: This sequence change replaces valine, which is neutral and non-polar, with methionine, which is neutral and non-polar, at codon 313 of the DCDC1 protein (p.Val313Met). This variant is present in population databases (rs201457983, gnomAD 0.2%), and has an allele count higher than expected for a pathogenic variant. This variant has not been reported in the literature in individuals affected with DCDC1-related conditions. An algorithm developed to predict the effect of missense changes on protein structure and function outputs the following: PolyPhen-2: "Possibly Damaging". The methionine amino acid residue is found in multiple mammalian species, which suggests that this missense change does not adversely affect protein function. In summary, the available evidence is currently insufficient to determine the role of this variant in disease. Therefore, it has been classified as a Variant of Uncertain Significance.